The following is an entry in ClinVar:

NM_001271.4(CHD2):c.4782G>A (p.Gln1594=)

Gene: CHD2 (chromodomain helicase DNA binding protein 2; plus strand). Cytogenetic location: 15q26.1.
Variant type: single nucleotide variant.
Coding change: c.4782G>A on transcript NM_001271.4 (MANE Select); coding-DNA position 4782, G replaced by A.
Protein change: p.Gln1594=; no amino-acid change (glutamine 1594 retained).
Molecular consequence: synonymous variant.
Genome position (GRCh38, 1-based): chr15:93,014,785, G>A. VCF-style: chr15-93014785-G-A. GRCh37 (hg19) VCF-style: chr15-93558015-G-A.
Identifiers: ClinVar variation 3700942 (VCV003700942.8).

ClinVar aggregate classification (germline): Likely benign. Review status: criteria provided, multiple submitters, no conflicts (2 of 4 stars). 2 submissions from 2 submitters: Likely benign (2). Last evaluated 2025-10-01.

Conditions:
Developmental and epileptic encephalopathy 94 (DEE94). Also called: Epileptic encephalopathy, childhood-onset; CHD2-Related Neurodevelopmental Disorders. Identifiers: Orphanet 1942, Orphanet 2382, MedGen C3809278, MONDO:0014150, OMIM 615369.

gnomAD v4.1: 1 of 1,614,158 alleles (0.000062%); highest among the groups gnomAD compares: Non-Finnish European, 0.000085%; no homozygotes.

Submissions (2):

CeGaT Center for Human Genetics Tuebingen
Classification: Likely benign. Last evaluated: 2025-10-01. Review status: criteria provided, single submitter. Criteria: CeGaT Center For Human Genetics Tuebingen Variant Classification Criteria Version 2. Collection method: clinical testing. Allele origin: germline. Affected: yes. Observed: 1 variant allele.
Comment: CHD2: BP4

Labcorp Genetics (formerly Invitae), Labcorp
Classification: Likely benign for Developmental and epileptic encephalopathy 94. Last evaluated: 2024-08-05. Review status: criteria provided, single submitter. Criteria: Invitae Variant Classification Sherloc (09022015). Collection method: clinical testing. Allele origin: germline.